The following is an entry in ClinVar:

NC_000022.11:g.40346240T>C

Gene: ADSL (adenylosuccinate lyase; plus strand). Cytogenetic location: 22q13.1.
Variant type: single nucleotide variant.
Genome position: GRCh38 VCF-style: chr22-40346240-T-C. GRCh37 (hg19) VCF-style: chr22-40742244-T-C.
Identifiers: ClinVar variation 1466116 (VCV001466116.3), dbSNP rs752718206, ClinGen allele CA324446708.

ClinVar aggregate classification (germline): Uncertain significance (1 of 4 stars; one submission).

Conditions:
Adenylosuccinate lyase deficiency (ADSLD). Also called: ADSL DEFICIENCY. Identifiers: Orphanet 46, MedGen C0268126, MONDO:0007068, OMIM 103050.

Allele frequency attached by ClinVar (database versions not stated): TOPMed below 0.00001; gnomAD 0.00002.

Submission:

Labcorp Genetics (formerly Invitae), Labcorp
Classification: Uncertain significance for Adenylosuccinate lyase deficiency. Last evaluated: 2021-12-03. Review status: criteria provided, single submitter. Criteria: Invitae Variant Classification Sherloc (09022015). Collection method: clinical testing. Allele origin: germline.
Comment: This variant occurs in a non-coding region of the ADSL gene. It does not change the encoded amino acid sequence of the ADSL protein. This variant is present in population databases (rs752718206, gnomAD 0.007%). This variant has not been reported in the literature in individuals affected with ADSL-related conditions. Experimental studies and prediction algorithms are not available or were not evaluated, and the functional significance of this variant is currently unknown. In summary, the available evidence is currently insufficient to determine the role of this variant in disease. Therefore, it has been classified as a Variant of Uncertain Significance.